The following is an entry in ClinVar:

ClinVar aggregate classification (germline): Uncertain significance (1 of 4 stars; one submission).

Conditions:
Rhabdoid tumor predisposition syndrome 2 (RTPS2). Identifiers: Orphanet 231108, Orphanet 69077, MedGen C2750074, MONDO:0013224, OMIM 613325.

Submission:

Labcorp Genetics (formerly Invitae), Labcorp
Classification: Uncertain significance for Rhabdoid tumor predisposition syndrome 2. Last evaluated: 2022-02-20. Review status: criteria provided, single submitter. Criteria: Invitae Variant Classification Sherloc (09022015). Collection method: clinical testing. Allele origin: germline.
Comment: In summary, the available evidence is currently insufficient to determine the role of this variant in disease. Therefore, it has been classified as a Variant of Uncertain Significance. Algorithms developed to predict the effect of missense changes on protein structure and function (SIFT, PolyPhen-2, Align-GVGD) all suggest that this variant is likely to be disruptive. ClinVar contains an entry for this variant (Variation ID: 859194). This variant has not been reported in the literature in individuals affected with SMARCA4-related conditions. This variant is not present in population databases (gnomAD no frequency). This sequence change replaces arginine, which is basic and polar, with tryptophan, which is neutral and slightly polar, at codon 192 of the SMARCA4 protein (p.Arg192Trp).

NM_003072.5(SMARCA4):c.574A>T (p.Arg192Trp)

Gene: SMARCA4 (SWI/SNF related BAF chromatin remodeling complex subunit ATPase 4; plus strand). Cytogenetic location: 19p13.2.
Variant type: single nucleotide variant.
Coding change: c.574A>T on transcript NM_003072.5 (MANE Select); coding-DNA position 574, A replaced by T.
Protein change: p.Arg192Trp; replaces arginine 192 with tryptophan.
Molecular consequence: missense variant. On other transcripts: non-coding transcript variant (1).
Genome position (GRCh38, 1-based): chr19:10,986,407, A>T. VCF-style: chr19-10986407-A-T. GRCh37 (hg19) VCF-style: chr19-11097083-A-T.
Other names: c.574A>T, p.Arg192Trp (NM_001128844.3, NM_001128845.2, NM_001128846.2 and 4 more transcripts); short protein forms R192W.
Identifiers: ClinVar variation 859194 (VCV000859194.9), dbSNP rs2086035121, ClinGen allele CA404056435.
Genomic context (GRCh38, chr19:10,986,407, plus strand): 5'-TTTAACCAGAACCAGCTGCACCAGCTCAGAGCTCAGATCATGGCCTACAAGATGCTGGCC[A>T]GGGGGCAGCCCCTCCCCGACCACCTGCAGATGGCGGTGCAGGGCAAGCGGCCGATGCCCG-3'
Protein context (NP_003063.2, residues 182-202): AQIMAYKMLA[Arg192Trp]GQPLPDHLQM